The following is an entry in ClinVar:

ClinVar aggregate classification (germline): Uncertain significance (1 of 4 stars; one submission).

Submission:

Labcorp Genetics (formerly Invitae), Labcorp
Classification: Uncertain significance. Last evaluated: 2025-04-19. Review status: criteria provided, single submitter. Criteria: Invitae Variant Classification Sherloc (09022015). Collection method: clinical testing. Allele origin: germline.
Comment: This sequence change replaces threonine, which is neutral and polar, with asparagine, which is neutral and polar, at codon 432 of the TBC1D8B protein (p.Thr432Asn). This variant is not present in population databases (gnomAD no frequency). This variant has not been reported in the literature in individuals affected with TBC1D8B-related conditions. An algorithm developed to predict the effect of missense changes on protein structure and function (PolyPhen-2) suggests that this variant is likely to be tolerated. In summary, the available evidence is currently insufficient to determine the role of this variant in disease. Therefore, it has been classified as a Variant of Uncertain Significance.

NM_017752.3(TBC1D8B):c.1295C>A (p.Thr432Asn)

Gene: TBC1D8B (TBC1 domain family member 8B; plus strand). Cytogenetic location: Xq22.3.
Variant type: single nucleotide variant.
Coding change: c.1295C>A on transcript NM_017752.3 (MANE Select); coding-DNA position 1295, C replaced by A.
Protein change: p.Thr432Asn; replaces threonine 432 with asparagine.
Molecular consequence: missense variant. On other transcripts: intron variant (1).
Genome position (GRCh38, 1-based): chrX:106,839,399, C>A. VCF-style: chrX-106839399-C-A. GRCh37 (hg19) VCF-style: chrX-106082629-C-A.
Other names: c.1001C>A, p.Thr334Asn (NM_001441215.1); c.1295C>A, p.Thr432Asn (NM_198881.2); c.1204-649C>A (NM_001441214.1); short protein forms T334N, T432N.
Identifiers: ClinVar variation 4717728 (VCV004717728.1).